The following is an entry in ClinVar:

ClinVar aggregate classification (germline): Uncertain significance (1 of 4 stars; one submission).

Allele frequency attached by ClinVar (database versions not stated): gnomAD exomes below 0.00001.
gnomAD v4.1: 1 of 1,585,610 alleles (0.000063%); highest among the groups gnomAD compares: East Asian, 0.0022%; no homozygotes.

Submission:

Labcorp Genetics (formerly Invitae), Labcorp
Classification: Uncertain significance. Last evaluated: 2024-04-30. Review status: criteria provided, single submitter. Criteria: Invitae Variant Classification Sherloc (09022015). Collection method: clinical testing. Allele origin: germline.
Comment: This sequence change replaces aspartic acid, which is acidic and polar, with glycine, which is neutral and non-polar, at codon 381 of the CD46 protein (p.Asp381Gly). This variant is not present in population databases (gnomAD no frequency). This variant has not been reported in the literature in individuals affected with CD46-related conditions. ClinVar contains an entry for this variant (Variation ID: 2115545). An algorithm developed to predict the effect of missense changes on protein structure and function (PolyPhen-2) suggests that this variant is likely to be tolerated. In summary, the available evidence is currently insufficient to determine the role of this variant in disease. Therefore, it has been classified as a Variant of Uncertain Significance.

NM_172351.3(CD46):c.1097A>G (p.Asp366Gly)

Gene: CD46 (CD46 molecule; plus strand). Cytogenetic location: 1q32.2.
Variant type: single nucleotide variant.
Coding change: c.1097A>G on transcript NM_172351.3 (MANE Select); coding-DNA position 1097, A replaced by G.
Protein change: p.Asp366Gly; replaces aspartic acid 366 with glycine.
Molecular consequence: missense variant. On other transcripts: intron variant (7).
Genome position (GRCh38, 1-based): chr1:207,790,267, A>G. VCF-style: chr1-207790267-A-G. GRCh37 (hg19) VCF-style: chr1-207963612-A-G.
Other names: c.1142A>G, p.Asp381Gly (NM_002389.4); c.1052A>G, p.Asp351Gly (NM_172352.3); c.1055A>G, p.Asp352Gly (NM_172355.3); c.1010A>G, p.Asp337Gly (NM_172357.3); c.1128-3252A>G (NM_172359.3); c.1083-3252A>G (NM_153826.4); c.1046-3252A>G (NM_172358.3); c.1041-3252A>G (NM_172356.3); and 3 more; short protein forms D337G, D352G, D366G, D351G, D381G.
Identifiers: ClinVar variation 2115545 (VCV002115545.4), dbSNP rs2526800547, ClinGen allele CA344553143.